The following is an entry in ClinVar:

ClinVar aggregate classification (germline): Conflicting classifications of pathogenicity. Review status: criteria provided, conflicting classifications (1 of 4 stars). 3 submissions from 3 submitters: Uncertain significance (1); Likely benign (2). Last evaluated 2026-09-01.

Conditions:
Inborn genetic diseases. Identifiers: MedGen C0950123, MeSH D030342.

Allele frequency attached by ClinVar (database versions not stated): TOPMed 0.00001; ExAC 0.00002; gnomAD exomes 0.00003.

Submissions (3):

CeGaT Center for Human Genetics Tuebingen
Classification: Likely benign. Last evaluated: 2026-09-01. Review status: criteria provided, single submitter. Criteria: CeGaT Center For Human Genetics Tuebingen Variant Classification Criteria Version 2. Collection method: clinical testing. Allele origin: germline. Affected: yes. Observed: 1 variant allele.
Comment: TAF1: PP2, BP4, BS2

Ambry Genetics
Classification: Likely benign for Inborn genetic diseases. Last evaluated: 2025-05-01. Review status: criteria provided, single submitter. Criteria: Ambry Variant Classification Scheme 2023. Collection method: clinical testing. Allele origin: germline.

Labcorp Genetics (formerly Invitae), Labcorp
Classification: Uncertain significance. Last evaluated: 2023-03-26. Review status: criteria provided, single submitter. Criteria: Invitae Variant Classification Sherloc (09022015). Collection method: clinical testing. Allele origin: germline.
Comment: In summary, the available evidence is currently insufficient to determine the role of this variant in disease. Therefore, it has been classified as a Variant of Uncertain Significance. Algorithms developed to predict the effect of missense changes on protein structure and function output the following: SIFT: "Not Available"; PolyPhen-2: "Benign"; Align-GVGD: "Not Available". The serine amino acid residue is found in multiple mammalian species, which suggests that this missense change does not adversely affect protein function. This variant has not been reported in the literature in individuals affected with TAF1-related conditions. This variant is present in population databases (rs760088260, gnomAD 0.02%), including at least one homozygous and/or hemizygous individual. This sequence change replaces asparagine, which is neutral and polar, with serine, which is neutral and polar, at codon 1567 of the TAF1 protein (p.Asn1567Ser).

NM_004606.5(TAF1):c.4640A>G (p.Asn1547Ser)

Gene: TAF1 (TATA-box binding protein associated factor 1; plus strand). Cytogenetic location: Xq13.1.
Variant type: single nucleotide variant.
Coding change: c.4640A>G on transcript NM_004606.5 (MANE Select); coding-DNA position 4640, A replaced by G.
Protein change: p.Asn1547Ser; replaces asparagine 1547 with serine.
Molecular consequence: missense variant. On other transcripts: non-coding transcript variant (9).
Genome position (GRCh38, 1-based): chrX:71,424,038, A>G. VCF-style: chrX-71424038-A-G. GRCh37 (hg19) VCF-style: chrX-70643888-A-G.
Other names: c.4640A>G, p.Asn1547Ser (NM_001286074.2); c.4577A>G, p.Asn1526Ser (NM_138923.4); c.4700A>G (NM_004606.3); short protein forms N1547S, N1526S.
Identifiers: ClinVar variation 2716509 (VCV002716509.5), dbSNP rs760088260, ClinGen allele CA10447209.